The following is an entry in ClinVar:

NM_002249.6(KCNN3):c.334C>A (p.Pro112Thr)

Gene: KCNN3 (potassium calcium-activated channel subfamily N member 3; minus strand). Cytogenetic location: 1q21.3.
Variant type: single nucleotide variant.
Coding change: c.334C>A on transcript NM_002249.6 (MANE Select); coding-DNA position 334, C replaced by A.
Protein change: p.Pro112Thr; replaces proline 112 with threonine.
Molecular consequence: missense variant.
Genome position (GRCh38, 1-based): chr1:154,869,631, G>T on the plus strand (C>A on the coding strand, the complement: KCNN3 is on the minus strand). VCF-style: chr1-154869631-G-T. GRCh37 (hg19) VCF-style: chr1-154842107-G-T.
Other names: c.334C>A, p.Pro112Thr (NM_001204087.2); short protein forms P112T.
Identifiers: ClinVar variation 3025166 (VCV003025166.22), dbSNP rs143130189, ClinGen allele CA1132304.

ClinVar aggregate classification (germline): Likely benign (1 of 4 stars; one submission).

gnomAD v4.1: 40 of 1,613,602 alleles (0.0025%); highest among the groups gnomAD compares: South Asian, 0.033%; no homozygotes.

Submission:

CeGaT Center for Human Genetics Tuebingen
Classification: Likely benign. Last evaluated: 2024-01-01. Review status: criteria provided, single submitter. Criteria: CeGaT Center For Human Genetics Tuebingen Variant Classification Criteria Version 2. Collection method: clinical testing. Allele origin: germline. Affected: yes. Observed: 1 variant allele.
Comment: KCNN3: BP4